The following is an entry in ClinVar:

NM_004004.6(GJB2):c.630_634del (p.Cys211fs)

Gene: GJB2 (gap junction protein beta 2; minus strand). Cytogenetic location: 13q12.11.
Variant type: Deletion.
Coding change: c.630_634del on transcript NM_004004.6 (MANE Select); coding-DNA positions 630 to 634, 5 bases deleted (GTGTT; older notation c.630_634delGTGTT).
Protein change: p.Cys211fs; shifts the reading frame from cysteine 211.
Molecular consequence: frameshift variant.
Genome position (GRCh38, 1-based): chr13:20,188,948-20,188,952, AACAC deleted on the plus strand (GTGTT on the coding strand, the reverse complement: GJB2 is on the minus strand); deleting any 5 consecutive bases within chr13:20,188,948-20,188,954 gives the same sequence; the c. name uses the placement nearest the transcript's 3' end. VCF-style (leftmost placement, unchanged base first): chr13-20188947-TAACAC-T. GRCh37 (hg19) VCF-style: chr13-20763086-TAACAC-T.
Other names: c.630_634delGTGTT (NM_004004.5); short protein forms C211fs.
Identifiers: ClinVar variation 2894871 (VCV002894871.4), dbSNP rs1190349163, ClinGen allele CA608984139.

ClinVar aggregate classification (germline): Pathogenic/Likely pathogenic. Review status: criteria provided, multiple submitters, no conflicts (2 of 4 stars). 2 submissions from 2 submitters: Pathogenic (1); Likely pathogenic (1). Last evaluated 2026-01-22.

Conditions:
Autosomal recessive nonsyndromic hearing loss 1A (DFNB1A). Also called: Connexin 26 deafness; Deafness nonsyndromic, Connexin 26 linked; Nonsyndromic Hearing Loss and Deafness, DFNB1; GJB6-Related DFNB 1 Nonsyndromic Hearing Loss and Deafness; GJB2-Related Autosomal Recessive Nonsyndromic Hearing Loss; Deafness, autosomal recessive 1A. Identifiers: Orphanet 90636, MedGen C2673759, MONDO:0009076, OMIM 220290.

Submissions (2):

Natera, Inc.
Classification: Likely pathogenic for Autosomal recessive deafness type 1A. Last evaluated: 2026-01-22. Review status: criteria provided, single submitter. Criteria: Natera Variant Classification Schema (03/2026). Collection method: clinical testing. Allele origin: germline.
Comment: The c.630_634delGTGTT variant in GJB2 is a frameshift variant predicted to shift the reading frame beginning at codon 211 and leads to a stop codon 4 codons downstream. This variant is expected to result in nonsense mediated decay, truncation, or a dysfunctional protein product. This variant is rare in the general population with a frequency below the threshold expected for the associated phenotype(s). Given the available evidence, this variant is classified as Likely Pathogenic.

Labcorp Genetics (formerly Invitae), Labcorp
Classification: Pathogenic. Last evaluated: 2023-10-19. Review status: criteria provided, single submitter. Criteria: Invitae Variant Classification Sherloc (09022015). Collection method: clinical testing. Allele origin: germline.
Comment: This sequence change creates a premature translational stop signal (p.Cys211Phefs*4) in the GJB2 gene. While this is not anticipated to result in nonsense mediated decay, it is expected to disrupt the last 16 amino acid(s) of the GJB2 protein. This variant is present in population databases (no rsID available, gnomAD 0.007%). This variant has not been reported in the literature in individuals affected with GJB2-related conditions. This variant disrupts a region of the GJB2 protein in which other variant(s) (p.Arg216Ilefs*17) have been determined to be pathogenic (PMID: 11102979, 17041943, 17666888, 25288386). This suggests that this is a clinically significant region of the protein, and that variants that disrupt it are likely to be disease-causing. For these reasons, this variant has been classified as Pathogenic.

Literature cited by the submitters: PubMed 11102979 (cited by Labcorp Genetics (formerly Invitae), Labcorp); PubMed 17041943 (cited by Labcorp Genetics (formerly Invitae), Labcorp); PubMed 17666888 (cited by Labcorp Genetics (formerly Invitae), Labcorp); PubMed 25288386 (cited by Labcorp Genetics (formerly Invitae), Labcorp).